The following is an entry in ClinVar:

NC_000010.10:g.(131676114_131755521)_(131762539_?)del

Gene: EBF3 (EBF transcription factor 3; minus strand). Cytogenetic location: 10q26.3.
Variant type: Deletion.
Identifiers: ClinVar variation 2637862 (VCV002637862.1).

ClinVar aggregate classification (germline): Pathogenic (1 of 4 stars; one submission).

Conditions:
Hypotonia, ataxia, and delayed development syndrome (HADDS). Also called: EBF3 Neurodevelopmental Disorder. Identifiers: Orphanet 658843, MedGen C4310618, MONDO:0015021, OMIM 617330.

Submission:

Women's Health and Genetics/Laboratory Corporation of America, LabCorp
Classification: Pathogenic for Hypotonia, ataxia, and delayed development syndrome. Last evaluated: 2023-10-23. Review status: criteria provided, single submitter. Criteria: LabCorp Variant Classification Summary - May 2015. Collection method: clinical testing. Allele origin: germline.
Comment: Variant summary: The variant identified by MLPA or other technology involves the deletion of exons 1-6 in the EBF3 gene, where exon 1 contains the translation initiation codon. The exact breakpoint at the 5' end of this variant is unknown and therefore this deletion might extend upstream of the assayed region of the gene. A presumed nomenclature of c.(?_-507)_(554+1_555-1)del has been designated for the purposes of this classification. Although exact breakpoints of this deletion are not known, it is expected to result in an absent or shortened protein product, a known mechanism of disease. The variant was absent in 21694 control chromosomes (gnomAD Structural Variants dataset). To our knowledge, no occurrence of c.(?_-507)_(554+1_555-1)del in individuals affected with Hypotonia, Ataxia, And Delayed Development Syndrome and no experimental evidence demonstrating its impact on protein function have been reported. However, several in-frame variants are reported in the deleted region in individuals affected with hypotonia, ataxia, and delayed development syndrome (HGMD). No submitters have cited clinical-significance assessments for this variant to ClinVar after 2014. Based on the evidence outlined above, the variant was classified as pathogenic.